The following is an entry in ClinVar:

ClinVar aggregate classification (germline): Conflicting classifications of pathogenicity. Review status: criteria provided, conflicting classifications (1 of 4 stars). 6 submissions from 6 submitters: Uncertain significance (2); Benign (1); Likely benign (2). 1 of the submissions does not count toward it. Last evaluated 2025-11-10.

Conditions:
Inborn genetic diseases. Identifiers: MedGen C0950123, MeSH D030342.
GATA2-related disorder. Also called: GATA2-Related Disorders; GATA2-related condition.
Deafness-lymphedema-leukemia syndrome. Also called: Emberger syndrome; Lymphedema, primary, with myelodysplasia. Identifiers: Orphanet 3226, MedGen C3279664, MONDO:0013540, OMIM 614038.
Monocytopenia with susceptibility to infections. Also called: IMMUNODEFICIENCY 21; MONOCYTOPENIA AND MYCOBACTERIAL INFECTION SYNDROME; MONOCYTOPENIA WITH SUSCEPTIBILITY TO MYCOBACTERIAL, FUNGAL, AND PAPILLOMAVIRUS INFECTIONS AND MYELODYSPLASIA; COMBINED IMMUNODEFICIENCY WITH SUSCEPTIBILITY TO MYCOBACTERIAL, VIRAL, AND FUNGAL INFECTIONS; Dendritic cell, monocyte, B lymphocyte, and natural killer lymphocyte deficiency; GATA2 DEFICIENCY. Identifiers: Orphanet 228423, MedGen C3280030, MONDO:0013607, OMIM 614172.
Acute myeloid leukemia (AML). Also called: Leukemia, acute myeloid, somatic; Leukemia, acute myelogenous, somatic; Acute myeloid leukemia, adult; AML adult; Acute non-lymphocytic leukemia; Acute granulocytic leukemia. Identifiers: Orphanet 519, MedGen C0023467, MeSH D015470, MONDO:0018874, OMIM 601626, HP:0004808. Disease mechanism: Constitutively activated FLT3.

Allele frequency attached by ClinVar (database versions not stated): gnomAD 0.00001 and 0.00002; gnomAD exomes 0.00001 and 0.00006; TOPMed 0.00001; ExAC 0.00006; ESP Exome Variant Server 0.00008; 1000 Genomes Project 30x 0.00016; 1000 Genomes Project 0.00020.
gnomAD v4.1: 24 of 1,613,374 alleles (0.0015%); highest among the groups gnomAD compares: Admixed American, 0.015%; no homozygotes.

Submissions (6):

Labcorp Genetics (formerly Invitae), Labcorp
Classification: Likely benign for Monocytopenia with susceptibility to infections; Deafness-lymphedema-leukemia syndrome. Last evaluated: 2025-11-10. Review status: criteria provided, single submitter. Criteria: Invitae Variant Classification Sherloc (09022015). Collection method: clinical testing. Allele origin: germline.

Ambry Genetics
Classification: Benign for Inborn genetic diseases. Last evaluated: 2024-12-20. Review status: criteria provided, single submitter. Criteria: Ambry Variant Classification Scheme 2023. Collection method: clinical testing. Allele origin: germline.

GeneDx
Classification: Uncertain significance. Last evaluated: 2024-05-31. Review status: criteria provided, single submitter. Criteria: GeneDx Variant Classification Process June 2021. Collection method: clinical testing. Allele origin: germline.
Comment: In silico analysis supports a deleterious effect on splicing; Has not been previously published as pathogenic or benign to our knowledge; This variant is associated with the following publications: (PMID: 26287967)

Baylor Genetics
Classification: Uncertain significance for Acute myeloid leukemia. Last evaluated: 2023-06-23. Review status: criteria provided, single submitter. Criteria: ACMG Guidelines, 2015. Collection method: clinical testing. Allele origin: unknown.

Genetic Services Laboratory, University of Chicago
Classification: Likely benign. Last evaluated: 2020-09-28. Review status: criteria provided, single submitter. Criteria: ACMG Guidelines, 2015. Collection method: clinical testing. Allele origin: germline. Affected: no.

PreventionGenetics, part of Exact Sciences
Classification: Likely benign for GATA2-related condition. Last evaluated: 2022-07-27. Review status: no assertion criteria provided. Collection method: clinical testing. Allele origin: germline. Not counted in ClinVar's aggregate classification.
Comment: This variant is classified as likely benign based on ACMG/AMP sequence variant interpretation guidelines (Richards et al. 2015 PMID: 25741868, with internal and published modifications).

NM_032638.5(GATA2):c.1020G>A (p.Ser340=)

Gene: GATA2 (GATA binding protein 2; minus strand). Cytogenetic location: 3q21.3.
Variant type: single nucleotide variant.
Coding change: c.1020G>A on transcript NM_032638.5 (MANE Select); coding-DNA position 1020, G replaced by A.
Protein change: p.Ser340=; no amino-acid change (serine 340 retained).
Molecular consequence: synonymous variant. On other transcripts: intron variant (1).
Genome position (GRCh38, 1-based): chr3:128,481,942, C>T on the plus strand (G>A on the coding strand, the complement: GATA2 is on the minus strand). VCF-style: chr3-128481942-C-T. GRCh37 (hg19) VCF-style: chr3-128200785-C-T.
Other names: c.1020G>A (NM_001145661.1); c.1020G>A, p.Ser340= (NM_001145661.2); c.1018-40G>A (NM_001145662.1).
Identifiers: ClinVar variation 539721 (VCV000539721.22), dbSNP rs370166358, ClinGen allele CA2599881.